The following is an entry in ClinVar:

ClinVar aggregate classification (germline): Uncertain significance. Review status: criteria provided, multiple submitters, no conflicts (2 of 4 stars). 2 submissions from 2 submitters: Uncertain significance (2). Last evaluated 2025-08-23.

Conditions:
Epilepsy, familial adult myoclonic, 5 (EPEO5). Also called: CORTICAL MYOCLONIC TREMOR WITH EPILEPSY, FAMILIAL, 5. Identifiers: Orphanet 86814, MedGen C3809374, MONDO:0014167, OMIM 615400.

Allele frequency attached by ClinVar (database versions not stated): TOPMed 0.00001; ExAC 0.00002; gnomAD exomes 0.00002 and 0.00003.
gnomAD v4.1: 9 of 1,614,132 alleles (0.00056%); highest among the groups gnomAD compares: Admixed American, 0.015%; no homozygotes.

Submissions (2):

Ambry Genetics
Classification: Uncertain significance. Last evaluated: 2025-08-23. Review status: criteria provided, single submitter. Criteria: Ambry Variant Classification Scheme 2023. Collection method: clinical testing. Allele origin: germline.

Labcorp Genetics (formerly Invitae), Labcorp
Classification: Uncertain significance for Epilepsy, familial adult myoclonic, 5. Last evaluated: 2022-10-17. Review status: criteria provided, single submitter. Criteria: Invitae Variant Classification Sherloc (09022015). Collection method: clinical testing. Allele origin: germline.
Comment: In summary, the available evidence is currently insufficient to determine the role of this variant in disease. Therefore, it has been classified as a Variant of Uncertain Significance. Advanced modeling of protein sequence and biophysical properties (such as structural, functional, and spatial information, amino acid conservation, physicochemical variation, residue mobility, and thermodynamic stability) performed at Invitae indicates that this missense variant is not expected to disrupt CNTN2 protein function. ClinVar contains an entry for this variant (Variation ID: 1518066). This variant has not been reported in the literature in individuals affected with CNTN2-related conditions. This variant is present in population databases (rs770455192, gnomAD 0.02%). This sequence change replaces tryptophan, which is neutral and slightly polar, with arginine, which is basic and polar, at codon 968 of the CNTN2 protein (p.Trp968Arg).

NM_005076.5(CNTN2):c.2902T>C (p.Trp968Arg)

Genes: CNTN2 (contactin 2; plus strand), LOC126805985 (MED14-independent group 3 enhancer GRCh37_chr1:205041546-205042745; plus strand). Cytogenetic location: 1q32.1.
Variant type: single nucleotide variant.
Coding change: c.2902T>C on transcript NM_005076.5 (MANE Select); coding-DNA position 2902, T replaced by C.
Protein change: p.Trp968Arg; replaces tryptophan 968 with arginine.
Molecular consequence: missense variant. On other transcripts: non-coding transcript variant (1).
Genome position (GRCh38, 1-based): chr1:205,073,125, T>C. VCF-style: chr1-205073125-T-C. GRCh37 (hg19) VCF-style: chr1-205042253-T-C.
Other names: c.2902T>C, p.Trp968Arg (NM_001346083.2); c.2902T>C (NM_005076.3); short protein forms W968R.
Identifiers: ClinVar variation 1518066 (VCV001518066.5), dbSNP rs770455192, ClinGen allele CA1351835.